The following is an entry in ClinVar:

NM_014476.6(PDLIM3):c.926G>A (p.Arg309Gln)

Gene: PDLIM3 (PDZ and LIM domain 3; minus strand). Cytogenetic location: 4q35.1.
Variant type: single nucleotide variant.
Coding change: c.926G>A on transcript NM_014476.6 (MANE Select); coding-DNA position 926, G replaced by A.
Protein change: p.Arg309Gln; replaces arginine 309 with glutamine.
Molecular consequence: missense variant. On other transcripts: non-coding transcript variant (1).
Genome position (GRCh38, 1-based): chr4:185,502,463, C>T on the plus strand (G>A on the coding strand, the complement: PDLIM3 is on the minus strand). VCF-style: chr4-185502463-C-T. GRCh37 (hg19) VCF-style: chr4-186423617-C-T.
Other names: p.R309Q:CGG>CAG; c.926G>A (NM_014476.4); c.782G>A, p.Arg261Gln (NM_001114107.5); c.662G>A, p.Arg221Gln (NM_001257962.2); c.425G>A, p.Arg142Gln (NM_001257963.2); short protein forms R309Q, R142Q, R221Q, R261Q.
Identifiers: ClinVar variation 201954 (VCV000201954.12), dbSNP rs200273032, ClinGen allele CA335487.

ClinVar aggregate classification (germline): Uncertain significance. Review status: criteria provided, multiple submitters, no conflicts (2 of 4 stars). 3 submissions from 3 submitters: Uncertain significance (3). Last evaluated 2025-11-26.

Conditions:
Primary dilated cardiomyopathy (DCM). Also called: Dilated Cardiomyopathy. Identifiers: Orphanet 217604, MedGen C0007193, MeSH D002311, MONDO:0005021, HP:0001644. Inheritance: Various modes of inheritance.
Hypertrophic cardiomyopathy. Also called: HYPERTROPHIC MYOCARDIOPATHY. Identifiers: Orphanet 217569, MedGen C0007194, MeSH D002312, MONDO:0005045, HP:0001639.

Allele frequency attached by ClinVar (database versions not stated): gnomAD 0.00001 and 0.00005; 1000 Genomes Project 0.00040; ExAC 0.00007; gnomAD exomes 0.00008; 1000 Genomes Project 30x 0.00031; TOPMed 0.00002.
gnomAD v4.1: 67 of 1,614,128 alleles (0.0042%); highest among the groups gnomAD compares: South Asian, 0.048%; 1 homozygote.

Submissions (3):

GeneDx
Classification: Uncertain significance. Last evaluated: 2025-11-26. Review status: criteria provided, single submitter. Criteria: GeneDx Variant Classification Process June 2021. Collection method: clinical testing. Allele origin: germline. Affected: yes.
Comment: Variants in candidate genes are classified as variants of uncertain significance in accordance with ACMG guidelines (PMID: 25741868); In silico analysis supports that this missense variant has a deleterious effect on protein structure/function; Has not been previously published as pathogenic or benign to our knowledge

Labcorp Genetics (formerly Invitae), Labcorp
Classification: Uncertain significance for Hypertrophic cardiomyopathy; Primary dilated cardiomyopathy. Last evaluated: 2025-09-26. Review status: criteria provided, single submitter. Criteria: Invitae Variant Classification Sherloc (09022015). Collection method: clinical testing. Allele origin: germline.
Comment: This sequence change replaces arginine, which is basic and polar, with glutamine, which is neutral and polar, at codon 309 of the PDLIM3 protein (p.Arg309Gln). This variant is present in population databases (rs200273032, gnomAD 0.04%). This variant has not been reported in the literature in individuals affected with PDLIM3-related conditions. ClinVar contains an entry for this variant (Variation ID: 201954). Invitae Evidence Modeling of protein sequence and biophysical properties (such as structural, functional, and spatial information, amino acid conservation, physicochemical variation, residue mobility, and thermodynamic stability) indicates that this missense variant is not expected to disrupt PDLIM3 protein function with a negative predictive value of 80%. In summary, the available evidence is currently insufficient to determine the role of this variant in disease. Therefore, it has been classified as a Variant of Uncertain Significance.

Ambry Genetics
Classification: Uncertain significance. Last evaluated: 2022-06-29. Review status: criteria provided, single submitter. Criteria: Ambry Variant Classification Scheme 2023. Collection method: clinical testing. Allele origin: germline.